The following is an entry in ClinVar:

NM_000891.3(KCNJ2):c.*211T>C

Gene: KCNJ2 (potassium inwardly rectifying channel subfamily J member 2; plus strand). Cytogenetic location: 17q24.3.
Variant type: single nucleotide variant.
Coding change: c.*211T>C on transcript NM_000891.3 (MANE Select); 211 bases downstream of the stop codon, T replaced by C.
Molecular consequence: 3 prime UTR variant.
Genome position (GRCh38, 1-based): chr17:70,176,534, T>C. VCF-style: chr17-70176534-T-C. GRCh37 (hg19) VCF-style: chr17-68172675-T-C.
Identifiers: ClinVar variation 324837 (VCV000324837.34), dbSNP rs56194813, ClinGen allele CA10640379.

ClinVar aggregate classification (germline): Conflicting classifications of pathogenicity. Review status: criteria provided, conflicting classifications (1 of 4 stars). 4 submissions from 2 submitters: Uncertain significance (1); Benign (3). Last evaluated 2022-11-01.

Conditions:
Andersen Tawil syndrome (LQT7). Also called: PERIODIC PARALYSIS, POTASSIUM-SENSITIVE CARDIODYSRHYTHMIC TYPE; ANDERSEN CARDIODYSRHYTHMIC PERIODIC PARALYSIS; LONG QT SYNDROME 7; Potassium-sensitive periodic paralysis, ventricular ectopy, and dysmorphic features; Andersen Syndrome. Identifiers: Orphanet 37553, MedGen C1563715, MONDO:0008222, OMIM 170390.
Atrial fibrillation, familial, 9 (ATFB9). Identifiers: MedGen C3151431, MONDO:0013513, OMIM 613980.
Short QT syndrome type 3. Identifiers: Orphanet 51083, MedGen C1865018, MONDO:0012314, OMIM 609622.

Allele frequency attached by ClinVar (database versions not stated): TOPMed 0.00485; gnomAD 0.00498 and 0.00513; gnomAD exomes 0.00500; 1000 Genomes Project 0.00180; 1000 Genomes Project 30x 0.00187.
gnomAD v4.1: 3,061 of 615,760 alleles (0.5%); highest among the groups gnomAD compares: Non-Finnish European, 0.75%; 9 homozygotes.

Submissions (4):

CeGaT Center for Human Genetics Tuebingen
Classification: Benign. Last evaluated: 2022-11-01. Review status: criteria provided, single submitter. Criteria: CeGaT Center For Human Genetics Tuebingen Variant Classification Criteria Version 2. Collection method: clinical testing. Allele origin: germline. Affected: yes. Observed: 1 variant allele.
Comment: KCNJ2: BS1, BS2

Illumina Laboratory Services, Illumina
Classification: Benign for Short QT syndrome type 3. Last evaluated: 2018-01-13. Review status: criteria provided, single submitter. Criteria: ICSL Variant Classification Criteria 13 December 2019. Collection method: clinical testing. Allele origin: germline.
Comment: This variant was observed in the ICSL laboratory as part of a predisposition screen in an ostensibly healthy population. It had not been previously curated by ICSL or reported in the Human Gene Mutation Database (HGMD: prior to June 1st, 2018), and was therefore a candidate for classification through an automated scoring system. Utilizing variant allele frequency, disease prevalence and penetrance estimates, and inheritance mode, an automated score was calculated to assess if this variant is too frequent to cause the disease. Based on the score and internal cut-off values, a variant classified as benign is not then subjected to further curation. The score for this variant resulted in a classification of benign for this disease.

Illumina Laboratory Services, Illumina
Classification: Benign for Andersen Tawil syndrome. Last evaluated: 2018-01-13. Review status: criteria provided, single submitter. Criteria: ICSL Variant Classification Criteria 13 December 2019. Collection method: clinical testing. Allele origin: germline.
Comment: the same text as in the submission from Illumina Laboratory Services, Illumina above.

Illumina Laboratory Services, Illumina
Classification: Uncertain significance for Atrial fibrillation, familial, 9. Last evaluated: 2018-01-13. Review status: criteria provided, single submitter. Criteria: ICSL Variant Classification Criteria 13 December 2019. Collection method: clinical testing. Allele origin: germline.